The following is an entry in ClinVar:

NM_001199397.3(NEK1):c.1648C>G (p.Arg550Gly)

Gene: NEK1 (NIMA related kinase 1; minus strand). Cytogenetic location: 4q33.
Variant type: single nucleotide variant.
Coding change: c.1648C>G on transcript NM_001199397.3 (MANE Select); coding-DNA position 1648, C replaced by G.
Protein change: p.Arg550Gly; replaces arginine 550 with glycine.
Molecular consequence: missense variant. On other transcripts: non-coding transcript variant (1).
Genome position (GRCh38, 1-based): chr4:169,537,826, G>C on the plus strand (C>G on the coding strand, the complement: NEK1 is on the minus strand). VCF-style: chr4-169537826-G-C. GRCh37 (hg19) VCF-style: chr4-170458977-G-C.
Other names: c.1027C>G, p.Arg343Gly (NM_001440624.1); c.895C>G, p.Arg299Gly (NM_001440625.1); c.1648C>G, p.Arg550Gly (NM_012224.4, NM_001440621.1, NM_001374418.1 and 2 more transcripts); c.1516C>G, p.Arg506Gly (NM_001440622.1, NM_001440623.1, NM_001199398.3 and 1 more transcripts); c.1441C>G, p.Arg481Gly (NM_001199399.3); c.1597C>G, p.Arg533Gly (NM_001374420.1); c.1522C>G, p.Arg508Gly (NM_001374421.1); short protein forms R299G, R343G, R481G, R506G, R508G, R533G, R550G.
Identifiers: ClinVar variation 4536013 (VCV004536013.1).

ClinVar aggregate classification (germline): Uncertain significance (1 of 4 stars; one submission).

gnomAD v4.1: 7 of 1,612,416 alleles (0.00043%); highest among the groups gnomAD compares: Non-Finnish European, 0.00059%; no homozygotes.

Submission:

Women's Health and Genetics/Laboratory Corporation of America, LabCorp
Classification: Uncertain significance. Last evaluated: 2025-09-24. Review status: criteria provided, single submitter. Criteria: LabCorp Variant Classification Summary - May 2015. Collection method: clinical testing. Allele origin: germline.
Comment: Variant summary: NEK1 c.1648C>G (p.Arg550Gly) results in a non-conservative amino acid change in the encoded protein sequence. Algorithms developed to predict the effect of missense changes on protein structure and function all suggest that this variant is likely to be disruptive. The variant was absent in 248560 control chromosomes. The available data on variant occurrences in the general population are insufficient to allow any conclusion about variant significance. To our knowledge, no occurrence of c.1648C>G in individuals affected with NEK1-related conditions and no experimental evidence demonstrating its impact on protein function have been reported. No submitters have cited clinical-significance assessments for this variant to ClinVar. Based on the evidence outlined above, the variant was classified as uncertain significance.